The following is an entry in ClinVar:

NM_002241.5(KCNJ10):c.112A>G (p.Asn38Asp)

Gene: KCNJ10 (potassium inwardly rectifying channel subfamily J member 10; minus strand). Cytogenetic location: 1q23.2.
Variant type: single nucleotide variant.
Coding change: c.112A>G on transcript NM_002241.5 (MANE Select); coding-DNA position 112, A replaced by G.
Protein change: p.Asn38Asp; replaces asparagine 38 with aspartic acid.
Molecular consequence: missense variant.
Genome position (GRCh38, 1-based): chr1:160,042,421, T>C on the plus strand (A>G on the coding strand, the complement: KCNJ10 is on the minus strand). VCF-style: chr1-160042421-T-C. GRCh37 (hg19) VCF-style: chr1-160012211-T-C.
Other names: short protein forms N38D.
Identifiers: ClinVar variation 426727 (VCV000426727.2), dbSNP rs1085307764, ClinGen allele CA343230218.

ClinVar aggregate classification (germline): Uncertain significance (1 of 4 stars; one submission).

Submission:

GeneDx
Classification: Uncertain significance. Last evaluated: 2017-04-06. Review status: criteria provided, single submitter. Criteria: GeneDx Variant Classification (06012015). Collection method: clinical testing. Allele origin: germline. Affected: yes.
Comment: A variant of uncertain significance has been identified in the KCNJ10 gene. The N38D variant has not been published as a pathogenic variant, nor has it been reported as a benign variant to our knowledge. The N38D variant is not observed in large population cohorts (Lek et al., 2016; 1000 Genomes Consortium et al., 2015; Exome Variant Server). The N38D variant is a semi-conservative amino acid substitution, which may impact secondary protein structure as these residues differ in some properties. This substitution occurs at a position that is conserved across species and in silico analysis predicts this variant is probably damaging to the protein structure/function. However, missense variants in nearby residues have not been reported in Human Gene Mutation Database in association with KCNJ10-related disorders (Stenson et al., 2014). Therefore, based on the currently available information, it is unclear whether this variant is a pathogenic variant or a rare benign variant.